The following is an entry in ClinVar:

NM_002941.4(ROBO1):c.4654G>A (p.Glu1552Lys)

Gene: ROBO1 (roundabout guidance receptor 1; minus strand). Cytogenetic location: 3p12.3.
Variant type: single nucleotide variant.
Coding change: c.4654G>A on transcript NM_002941.4 (MANE Select); coding-DNA position 4654, G replaced by A.
Protein change: p.Glu1552Lys; replaces glutamic acid 1552 with lysine.
Molecular consequence: missense variant.
Genome position (GRCh38, 1-based): chr3:78,606,823, C>T on the plus strand (G>A on the coding strand, the complement: ROBO1 is on the minus strand). VCF-style: chr3-78606823-C-T. GRCh37 (hg19) VCF-style: chr3-78655973-C-T.
Other names: c.4519G>A, p.Glu1507Lys (NM_001145844.1, NM_133631.4); c.4354G>A, p.Glu1452Lys (NM_001145845.2); short protein forms E1507K, E1552K, E1452K.
Identifiers: ClinVar variation 2787566 (VCV002787566.3), dbSNP rs2471637568, ClinGen allele CA353683340.

ClinVar aggregate classification (germline): Uncertain significance (1 of 4 stars; one submission).

Submission:

Labcorp Genetics (formerly Invitae), Labcorp
Classification: Uncertain significance. Last evaluated: 2024-01-22. Review status: criteria provided, single submitter. Criteria: Invitae Variant Classification Sherloc (09022015). Collection method: clinical testing. Allele origin: germline.
Comment: This sequence change replaces glutamic acid, which is acidic and polar, with lysine, which is basic and polar, at codon 1552 of the ROBO1 protein (p.Glu1552Lys). This variant is not present in population databases (gnomAD no frequency). This variant has not been reported in the literature in individuals affected with ROBO1-related conditions. Advanced modeling of protein sequence and biophysical properties (such as structural, functional, and spatial information, amino acid conservation, physicochemical variation, residue mobility, and thermodynamic stability) performed at Invitae indicates that this missense variant is not expected to disrupt ROBO1 protein function with a negative predictive value of 95%. In summary, the available evidence is currently insufficient to determine the role of this variant in disease. Therefore, it has been classified as a Variant of Uncertain Significance.